The following is an entry in ClinVar:

ClinVar aggregate classification (germline): Likely benign. Review status: criteria provided, multiple submitters, no conflicts (2 of 4 stars). 4 submissions from 4 submitters: Likely benign (3). 1 of the submissions does not count toward it. Last evaluated 2026-05-01.

Conditions:
ORC6-related disorder. Also called: ORC6-related condition.

Allele frequency attached by ClinVar (database versions not stated): ExAC 0.00014; TOPMed 0.00015; gnomAD 0.00016 and 0.00019; ESP Exome Variant Server 0.00031.
gnomAD v4.1: 477 of 1,613,644 alleles (0.03%); highest among the groups gnomAD compares: Non-Finnish European, 0.038%; no homozygotes.

Submissions (4):

CeGaT Center for Human Genetics Tuebingen
Classification: Likely benign. Last evaluated: 2026-05-01. Review status: criteria provided, single submitter. Criteria: CeGaT Center For Human Genetics Tuebingen Variant Classification Criteria Version 2. Collection method: clinical testing. Allele origin: germline. Affected: yes. Observed: 1 variant allele.
Comment: ORC6: BP4, BP7

Labcorp Genetics (formerly Invitae), Labcorp
Classification: Likely benign. Last evaluated: 2025-09-13. Review status: criteria provided, single submitter. Criteria: Invitae Variant Classification Sherloc (09022015). Collection method: clinical testing. Allele origin: germline.

Blueprint Genetics
Classification: Likely benign. Last evaluated: 2024-08-08. Review status: criteria provided, single submitter. Criteria: ACMG Guidelines, 2015. Collection method: clinical testing. Allele origin: germline.

PreventionGenetics, part of Exact Sciences
Classification: Likely benign for ORC6-related condition. Last evaluated: 2019-07-01. Review status: no assertion criteria provided. Collection method: clinical testing. Allele origin: germline. Not counted in ClinVar's aggregate classification.
Comment: This variant is classified as likely benign based on ACMG/AMP sequence variant interpretation guidelines (Richards et al. 2015 PMID: 25741868, with internal and published modifications).

NM_014321.4(ORC6):c.498T>A (p.Gly166=)

Gene: ORC6 (origin recognition complex subunit 6; plus strand). Cytogenetic location: 16q11.2.
Variant type: single nucleotide variant.
Coding change: c.498T>A on transcript NM_014321.4 (MANE Select); coding-DNA position 498, T replaced by A.
Protein change: p.Gly166=; no amino-acid change (glycine 166 retained).
Molecular consequence: synonymous variant. On other transcripts: non-coding transcript variant (1).
Genome position (GRCh38, 1-based): chr16:46,695,610, T>A. VCF-style: chr16-46695610-T-A. GRCh37 (hg19) VCF-style: chr16-46729522-T-A.
Identifiers: ClinVar variation 710234 (VCV000710234.12), dbSNP rs149896160, ClinGen allele CA8037406.